The following is an entry in ClinVar:

ClinVar aggregate classification (germline): Uncertain significance (1 of 4 stars; one submission).

Conditions:
Hereditary cancer-predisposing syndrome. Also called: Neoplastic Syndromes, Hereditary; Tumor predisposition; Hereditary neoplastic syndrome; Hereditary Cancer Syndrome. Identifiers: Orphanet 140162, MedGen C0027672, MeSH D009386, MONDO:0015356.

Submission:

Ambry Genetics
Classification: Uncertain significance for Hereditary cancer-predisposing syndrome. Last evaluated: 2026-08-13. Review status: criteria provided, single submitter. Criteria: Ambry Variant Classification Scheme 2023. Collection method: clinical testing. Allele origin: germline.
Comment: The p.L229S variant (also known as c.686T>C), located in coding exon 1 of the MET gene, results from a T to C substitution at nucleotide position 686. The leucine at codon 229 is replaced by serine, an amino acid with dissimilar properties. This amino acid position is conserved. In addition, the in silico prediction for this alteration is inconclusive. Based on the available evidence, the clinical significance of this variant remains unclear.

NM_000245.4(MET):c.686T>C (p.Leu229Ser)

Gene: MET (MET proto-oncogene, receptor tyrosine kinase; plus strand). Cytogenetic location: 7q31.2.
Variant type: single nucleotide variant.
Coding change: c.686T>C on transcript NM_000245.4 (MANE Select); coding-DNA position 686, T replaced by C.
Protein change: p.Leu229Ser; replaces leucine 229 with serine.
Molecular consequence: missense variant. On other transcripts: intron variant (1).
Genome position (GRCh38, 1-based): chr7:116,699,770, T>C. VCF-style: chr7-116699770-T-C. GRCh37 (hg19) VCF-style: chr7-116339824-T-C.
Other names: c.686T>C, p.Leu229Ser (NM_001127500.3, NM_001324401.3); c.-91+27193T>C (NM_001324402.2); short protein forms L229S.
Identifiers: ClinVar variation 5024421 (VCV005024421.1).